The following is an entry in ClinVar:

ClinVar aggregate classification (germline): Uncertain significance. Review status: criteria provided, multiple submitters, no conflicts (2 of 4 stars). 2 submissions from 2 submitters: Uncertain significance (2). Last evaluated 2024-10-07.

Conditions:
Hereditary cancer-predisposing syndrome. Also called: Neoplastic Syndromes, Hereditary; Tumor predisposition; Hereditary neoplastic syndrome; Hereditary Cancer Syndrome. Identifiers: Orphanet 140162, MedGen C0027672, MeSH D009386, MONDO:0015356.
Retinoblastoma (RB1). Also called: RETINOBLASTOMA, SOMATIC. Identifiers: Orphanet 790, MedGen C0035335, MeSH D012175, MONDO:0008380, OMIM 180200, HP:0009919. Disease mechanism: loss of function. Inheritance: Both sporadic and heritable forms are tested..

Submissions (2):

Ambry Genetics
Classification: Uncertain significance for Hereditary cancer-predisposing syndrome. Last evaluated: 2024-10-07. Review status: criteria provided, single submitter. Criteria: Ambry Variant Classification Scheme 2023. Collection method: clinical testing. Allele origin: germline.
Comment: The p.L42Q variant (also known as c.125T>A), located in coding exon 1 of the RB1 gene, results from a T to A substitution at nucleotide position 125. The leucine at codon 42 is replaced by glutamine, an amino acid with dissimilar properties. This amino acid position is conserved. In addition, the in silico prediction for this alteration is inconclusive. Based on the available evidence, the clinical significance of this variant remains unclear.

Labcorp Genetics (formerly Invitae), Labcorp
Classification: Uncertain significance for Retinoblastoma. Last evaluated: 2018-11-26. Review status: criteria provided, single submitter. Criteria: Invitae Variant Classification Sherloc (09022015). Collection method: clinical testing. Allele origin: germline.
Comment: This sequence change replaces leucine with glutamine at codon 42 of the RB1 protein (p.Leu42Gln). The leucine residue is moderately conserved and there is a moderate physicochemical difference between leucine and glutamine. The frequency data for this variant in the population databases is considered unreliable, as metrics indicate insufficient coverage at this position in the ExAC database. This variant has not been reported in the literature in individuals with RB1-related conditions. Algorithms developed to predict the effect of missense changes on protein structure and function (SIFT, PolyPhen-2, Align-GVGD) all suggest that this variant is likely to be tolerated, but these predictions have not been confirmed by published functional studies and their clinical significance is uncertain. In summary, the available evidence is currently insufficient to determine the role of this variant in disease. Therefore, it has been classified as a Variant of Uncertain Significance.

NM_000321.3(RB1):c.125T>A (p.Leu42Gln)

Gene: RB1 (RB transcriptional corepressor 1; plus strand). Cytogenetic location: 13q14.2.
Variant type: single nucleotide variant.
Coding change: c.125T>A on transcript NM_000321.3 (MANE Select); coding-DNA position 125, T replaced by A.
Protein change: p.Leu42Gln; replaces leucine 42 with glutamine.
Molecular consequence: missense variant.
Genome position (GRCh38, 1-based): chr13:48,304,037, T>A. VCF-style: chr13-48304037-T-A. GRCh37 (hg19) VCF-style: chr13-48878173-T-A.
Other names: short protein forms L42Q.
Identifiers: ClinVar variation 643222 (VCV000643222.2), dbSNP rs1593412272, ClinGen allele CA388250381.